The following is an entry in ClinVar:

NM_000179.3(MSH6):c.921_922insAGCC (p.Gly308fs)

Gene: MSH6 (mutS homolog 6; plus strand). Cytogenetic location: 2p16.3.
Variant type: Insertion.
Coding change: c.921_922insAGCC on transcript NM_000179.3 (MANE Select); coding-DNA positions 921 to 922, AGCC inserted.
Protein change: p.Gly308fs; shifts the reading frame from glycine 308.
Molecular consequence: frameshift variant. On other transcripts: non-coding transcript variant (4), intron variant (1).
Genome position: GRCh38 VCF-style: chr2-47798904-T-TAGCC. GRCh37 (hg19) VCF-style: chr2-48026043-T-TAGCC.
Other names: c.531_532insAGCC, p.Gly178fs (NM_001281492.2); c.15_16insAGCC, p.Gly6fs (NM_001281493.2, NM_001281494.2, NM_001406811.1 and 6 more transcripts); c.1017_1018insAGCC, p.Gly340fs (NM_001406795.1, NM_001406802.1); c.921_922insAGCC, p.Gly308fs (NM_001406796.1, NM_001406798.1, NM_001406800.1 and 4 more transcripts); c.624_625insAGCC, p.Gly209fs (NM_001406797.1, NM_001406801.1, NM_001406805.1 and 10 more transcripts); c.396_397insAGCC, p.Gly133fs (NM_001406799.1, NM_001406806.1, NM_001406807.1); c.843_844insAGCC, p.Gly282fs (NM_001406804.1); c.927_928insAGCC, p.Gly310fs (NM_001406813.1); and 2 more; short protein forms G133fs, G178fs, G209fs, G252fs, G282fs, G308fs, G310fs, G340fs.
Identifiers: ClinVar variation 2673682 (VCV002673682.1), dbSNP rs2530578228, ClinGen allele CA2695200518.

ClinVar aggregate classification (germline): Pathogenic (1 of 4 stars; one submission).

Conditions:
Lynch syndrome 5 (LYNCH5). Also called: Colorectal cancer, hereditary nonpolyposis, type 5; Hereditary non-polyposis colorectal cancer, type 5. Identifiers: Orphanet 144, MedGen C1833477, MONDO:0013710, OMIM 614350. Disease mechanism: loss of function.

Submission:

Myriad Genetics, Inc.
Classification: Pathogenic for Lynch syndrome 5. Last evaluated: 2023-08-11. Review status: criteria provided, single submitter. Criteria: Myriad Autosomal Dominant, Autosomal Recessive and X-Linked Classification Criteria (2023). Collection method: clinical testing. Allele origin: unknown.
Comment: This variant is considered pathogenic. This variant creates a frameshift predicted to result in premature protein truncation.